The following is an entry in ClinVar:

NM_020928.2(ZSWIM6):c.2036A>G (p.Lys679Arg)

Gene: ZSWIM6 (zinc finger SWIM-type containing 6; plus strand). Cytogenetic location: 5q12.1.
Variant type: single nucleotide variant.
Coding change: c.2036A>G on transcript NM_020928.2 (MANE Select); coding-DNA position 2036, A replaced by G.
Protein change: p.Lys679Arg; replaces lysine 679 with arginine.
Molecular consequence: missense variant.
Genome position (GRCh38, 1-based): chr5:61,531,516, A>G. VCF-style: chr5-61531516-A-G. GRCh37 (hg19) VCF-style: chr5-60827343-A-G.
Other names: c.2036A>G (NM_020928.1); short protein forms K679R.
Identifiers: ClinVar variation 1924997 (VCV001924997.7), dbSNP rs756583079, ClinGen allele CA3278415.
Genomic context (GRCh38, chr5:61,531,516, plus strand): 5'-ATTTTGCAGAGAATATGGGACAGTGCAAGTCTCTGGAATACCAGCATCTACCTGCACACA[A>G]ATTCTTAGAAGAAGGGGAATCCTATTTAACGCTGGCTGTGGAAGTAGCCCTGATAGGGCT-3'
Protein context (NP_065979.1, residues 669-689): SLEYQHLPAH[Lys679Arg]FLEEGESYLT

ClinVar aggregate classification (germline): Uncertain significance. Review status: criteria provided, multiple submitters, no conflicts (2 of 4 stars). 3 submissions from 3 submitters: Uncertain significance (3). Last evaluated 2026-01-21.

Conditions:
Neurodevelopmental disorder with movement abnormalities, abnormal gait, and autistic features. Identifiers: MedGen C4693405, MONDO:0060642, OMIM 617865.
Inborn genetic diseases. Identifiers: MedGen C0950123, MeSH D030342.

Allele frequency attached by ClinVar (database versions not stated): ExAC 0.00005; TOPMed 0.00006; gnomAD 0.00009.
gnomAD v4.1: 31 of 1,551,566 alleles (0.002%); highest among the groups gnomAD compares: Middle Eastern, 0.017%; 2 homozygotes.

Submissions (3):

Labcorp Genetics (formerly Invitae), Labcorp
Classification: Uncertain significance. Last evaluated: 2026-01-21. Review status: criteria provided, single submitter. Criteria: Invitae Variant Classification Sherloc (09022015). Collection method: clinical testing. Allele origin: germline.
Comment: This sequence change replaces lysine, which is basic and polar, with arginine, which is basic and polar, at codon 679 of the ZSWIM6 protein (p.Lys679Arg). This variant is present in population databases (rs756583079, gnomAD 0.02%). This variant has not been reported in the literature in individuals affected with ZSWIM6-related conditions. ClinVar contains an entry for this variant (Variation ID: 1924997). Invitae Evidence Modeling of protein sequence and biophysical properties (such as structural, functional, and spatial information, amino acid conservation, physicochemical variation, residue mobility, and thermodynamic stability) indicates that this missense variant is not expected to disrupt ZSWIM6 protein function with a negative predictive value of 80%. In summary, the available evidence is currently insufficient to determine the role of this variant in disease. Therefore, it has been classified as a Variant of Uncertain Significance.

Ambry Genetics
Classification: Uncertain significance for Inborn genetic diseases. Last evaluated: 2025-11-03. Review status: criteria provided, single submitter. Criteria: Ambry Variant Classification Scheme 2023. Collection method: clinical testing. Allele origin: germline.

Neuberg Centre For Genomic Medicine, NCGM
Classification: Uncertain significance for Neurodevelopmental disorder with movement abnormalities, abnormal gait, and autistic features. Review status: criteria provided, single submitter. Criteria: ACMG Guidelines, 2015. Collection method: clinical testing. Allele origin: germline. Inheritance: Autosomal dominant inheritance. Affected: yes.
Comment: The missense c.2036A>G (p.Lys679Arg) variant in ZSWIM6 gene has not been reported previously as a pathogenic variant nor as a benign variant, to our knowledge. The p.Lys679Arg variant is reported with an allele frequency of 0.003% in the gnomAD exomes database and is novel (not in any individuals) in 1000 Genomes database. This variant has been reported to the ClinVar database as Uncertain Significance. The amino acid change p.Lys679Arg in ZSWIM6 is predicted as conserved by GERP++ and PhyloP across 100 vertebrates. The amino acid Lys at position 679 is changed to a Arg changing protein sequence and it might alter its composition and physico-chemical properties. For these reasons, this variant has been classified as a Variant of Uncertain Significance (VUS).